The following is an entry in ClinVar:

NM_134261.3(RORA):c.1486C>G (p.Pro496Ala)

Genes: RORA (RAR related orphan receptor A; minus strand), RORA-AS1 (RORA antisense RNA 1; plus strand). Cytogenetic location: 15q22.2.
Variant type: single nucleotide variant.
Coding change: c.1486C>G on transcript NM_134261.3 (MANE Select); coding-DNA position 1486, C replaced by G.
Protein change: p.Pro496Ala; replaces proline 496 with alanine.
Molecular consequence: missense variant.
Genome position (GRCh38, 1-based): chr15:60,497,541, G>C on the plus strand (C>G on the coding strand, the complement: RORA is on the minus strand). VCF-style: chr15-60497541-G-C. GRCh37 (hg19) VCF-style: chr15-60789740-G-C.
Other names: c.1561C>G, p.Pro521Ala (NM_002943.4); c.1585C>G, p.Pro529Ala (NM_134260.3); c.1321C>G, p.Pro441Ala (NM_134262.3); short protein forms P441A, P496A, P521A, P529A.
Identifiers: ClinVar variation 3377945 (VCV003377945.1).

ClinVar aggregate classification (germline): Uncertain significance (1 of 4 stars; one submission).

Submission:

GeneDx
Classification: Uncertain significance. Last evaluated: 2024-05-16. Review status: criteria provided, single submitter. Criteria: GeneDx Variant Classification Process June 2021. Collection method: clinical testing. Allele origin: germline. Affected: yes.
Comment: Not observed at significant frequency in large population cohorts (gnomAD); In silico analysis supports that this missense variant has a deleterious effect on protein structure/function; Has not been previously published as pathogenic or benign to our knowledge